The following is an entry in ClinVar:

NM_174878.3(CLRN1):c.354C>A (p.Phe118Leu)

Gene: CLRN1 (clarin 1; minus strand). Cytogenetic location: 3q25.1.
Variant type: single nucleotide variant.
Coding change: c.354C>A on transcript NM_174878.3 (MANE Select); coding-DNA position 354, C replaced by A.
Protein change: p.Phe118Leu; replaces phenylalanine 118 with leucine.
Molecular consequence: missense variant. On other transcripts: non-coding transcript variant (1).
Genome position (GRCh38, 1-based): chr3:150,941,661, G>T on the plus strand (C>A on the coding strand, the complement: CLRN1 is on the minus strand). VCF-style: chr3-150941661-G-T. GRCh37 (hg19) VCF-style: chr3-150659448-G-T.
Other names: c.354C>A, p.Phe118Leu (NM_001195794.1); c.526C>A, p.Leu176Ile (NM_001256819.2); c.126C>A, p.Phe42Leu (NM_052995.2); short protein forms F42L, L176I, F118L.
Identifiers: ClinVar variation 1509681 (VCV001509681.3), dbSNP rs2107951094, ClinGen allele CA354955584.

ClinVar aggregate classification (germline): Uncertain significance (1 of 4 stars; one submission).

Allele frequency attached by ClinVar (database versions not stated): gnomAD exomes below 0.00001.

Submission:

Labcorp Genetics (formerly Invitae), Labcorp
Classification: Uncertain significance. Last evaluated: 2021-08-02. Review status: criteria provided, single submitter. Criteria: Invitae Variant Classification Sherloc (09022015). Collection method: clinical testing. Allele origin: germline.
Comment: This sequence change replaces phenylalanine with leucine at codon 118 of the CLRN1 protein (p.Phe118Leu). The phenylalanine residue is highly conserved and there is a small physicochemical difference between phenylalanine and leucine. This variant is not present in population databases (ExAC no frequency). This variant has not been reported in the literature in individuals affected with CLRN1-related conditions. Algorithms developed to predict the effect of missense changes on protein structure and function output the following: SIFT: "Deleterious"; PolyPhen-2: "Benign"; Align-GVGD: "Class C0". The leucine amino acid residue is found in multiple mammalian species, which suggests that this missense change does not adversely affect protein function. In summary, the available evidence is currently insufficient to determine the role of this variant in disease. Therefore, it has been classified as a Variant of Uncertain Significance.